The following is an entry in ClinVar:

ClinVar aggregate classification (germline): Uncertain significance (1 of 4 stars; one submission).

gnomAD v4.1: 3 of 1,495,582 alleles (0.0002%); highest among the groups gnomAD compares: South Asian, 0.0012%; no homozygotes.

Submission:

Ambry Genetics
Classification: Uncertain significance. Last evaluated: 2024-05-01. Review status: criteria provided, single submitter. Criteria: Ambry Variant Classification Scheme 2023. Collection method: clinical testing. Allele origin: germline.
Comment: The p.P13R variant (also known as c.38C>G), located in coding exon 1 of the EGLN1 gene, results from a C to G substitution at nucleotide position 38. The proline at codon 13 is replaced by arginine, an amino acid with dissimilar properties. This amino acid position is conserved. In addition, this alteration is predicted to be tolerated by in silico analysis. Since supporting evidence is limited at this time, the clinical significance of this alteration remains unclear.

NM_022051.3(EGLN1):c.38C>G (p.Pro13Arg)

Gene: EGLN1 (egl-9 family hypoxia inducible factor 1; minus strand). Cytogenetic location: 1q42.2.
Variant type: single nucleotide variant.
Coding change: c.38C>G on transcript NM_022051.3 (MANE Select); coding-DNA position 38, C replaced by G.
Protein change: p.Pro13Arg; replaces proline 13 with arginine.
Molecular consequence: missense variant.
Genome position (GRCh38, 1-based): chr1:231,421,851, G>C on the plus strand (C>G on the coding strand, the complement: EGLN1 is on the minus strand). VCF-style: chr1-231421851-G-C. GRCh37 (hg19) VCF-style: chr1-231557597-G-C.
Other names: c.38C>G, p.Pro13Arg (NM_001377260.1, NM_001377261.1); short protein forms P13R.
Identifiers: ClinVar variation 1735994 (VCV001735994.3), dbSNP rs1394788474, ClinGen allele CA345239381.